The following is an entry in ClinVar:

NM_001008537.3(NEXMIF):c.1125G>T (p.Glu375Asp)

Gene: NEXMIF (neurite extension and migration factor; minus strand). Cytogenetic location: Xq13.3.
Variant type: single nucleotide variant.
Coding change: c.1125G>T on transcript NM_001008537.3 (MANE Select); coding-DNA position 1125, G replaced by T.
Protein change: p.Glu375Asp; replaces glutamic acid 375 with aspartic acid.
Molecular consequence: missense variant.
Genome position (GRCh38, 1-based): chrX:74,743,432, C>A on the plus strand (G>T on the coding strand, the complement: NEXMIF is on the minus strand). VCF-style: chrX-74743432-C-A. GRCh37 (hg19) VCF-style: chrX-73963267-C-A.
Other names: short protein forms E375D.
Identifiers: ClinVar variation 589946 (VCV000589946.7), dbSNP rs1300706350, ClinGen allele CA413671356.

ClinVar aggregate classification (germline): Uncertain significance. Review status: criteria provided, multiple submitters, no conflicts (2 of 4 stars). 2 submissions from 2 submitters: Uncertain significance (2). Last evaluated 2025-07-08.

Allele frequency attached by ClinVar (database versions not stated): gnomAD exomes below 0.00001; gnomAD 0.00001.
gnomAD v4.1: 3 of 1,208,982 alleles (0.00025%); highest among the groups gnomAD compares: Non-Finnish European, 0.00034%; no homozygotes.

Submissions (2):

Labcorp Genetics (formerly Invitae), Labcorp
Classification: Uncertain significance. Last evaluated: 2025-07-08. Review status: criteria provided, single submitter. Criteria: Invitae Variant Classification Sherloc (09022015). Collection method: clinical testing. Allele origin: germline.
Comment: This sequence change replaces glutamic acid, which is acidic and polar, with aspartic acid, which is acidic and polar, at codon 375 of the NEXMIF protein (p.Glu375Asp). This variant is present in population databases (no rsID available, gnomAD 0.01%). This variant has not been reported in the literature in individuals affected with NEXMIF-related conditions. ClinVar contains an entry for this variant (Variation ID: 589946). An algorithm developed to predict the effect of missense changes on protein structure and function (PolyPhen-2) suggests that this variant is likely to be tolerated. In summary, the available evidence is currently insufficient to determine the role of this variant in disease. Therefore, it has been classified as a Variant of Uncertain Significance.

Ambry Genetics
Classification: Uncertain significance. Last evaluated: 2016-10-10. Review status: criteria provided, single submitter. Criteria: Ambry Variant Classification Scheme 2023. Collection method: clinical testing. Allele origin: germline.
Comment: The p.E375D variant (also known as c.1125G>T), located in coding exon 2 of the KIAA2022 gene, results from a G to T substitution at nucleotide position 1125. The glutamic acid at codon 375 is replaced by aspartic acid, an amino acid with highly similar properties. This variant was not reported in population based cohorts in the following databases: Database of Single Nucleotide Polymorphisms (dbSNP), NHLBI Exome Sequencing Project (ESP), and 1000 Genomes Project. In the ESP, this variant was not observed in 6503 samples with coverage at this position. This amino acid position is well conserved in available vertebrate species. In addition, this alteration is predicted to be tolerated by in silico analysis. Since supporting evidence is limited at this time, the clinical significance of this variant remains unclear.